The following is an entry in ClinVar:

ClinVar aggregate classification (germline): Conflicting classifications of pathogenicity. Review status: criteria provided, conflicting classifications (1 of 4 stars). 6 submissions from 6 submitters: Uncertain significance (1); Benign (2); Likely benign (2). 1 of the submissions does not count toward it. Last evaluated 2025-12-29.

Conditions:
Hereditary cancer-predisposing syndrome. Also called: Neoplastic Syndromes, Hereditary; Hereditary neoplastic syndrome; Hereditary Cancer Syndrome; Tumor predisposition. Identifiers: Orphanet 140162, MedGen C0027672, MeSH D009386, MONDO:0015356.
POLD1-related disorder. Also called: POLD1-related disorders; POLD1-related condition.
POLD1-related polyposis and colorectal cancer syndrome (CRCS10). Also called: Colorectal cancer, susceptibility to, 10; Colorectal cancer 10; COLORECTAL CANCER, SUSCEPTIBILITY TO, ON CHROMOSOME 19q. Identifiers: Orphanet 220460, MedGen C2675481, MONDO:0012953, OMIM 612591.

Allele frequency attached by ClinVar (database versions not stated): gnomAD below 0.00001 and 0.00003; TOPMed 0.00002; gnomAD exomes 0.00005 and 0.00012; ExAC 0.00014; 1000 Genomes Project 30x 0.00016; 1000 Genomes Project 0.00020.
gnomAD v4.1: 77 of 1,612,066 alleles (0.0048%); highest among the groups gnomAD compares: South Asian, 0.081%; 2 homozygotes.

Submissions (6):

Center for Genomic Medicine, Rigshospitalet, Copenhagen University Hospital
Classification: Benign. Last evaluated: 2025-12-29. Review status: criteria provided, single submitter. Criteria: ACMG Guidelines, 2015. Collection method: clinical testing. Allele origin: germline.
Comment: Classification criteria: BA1

Labcorp Genetics (formerly Invitae), Labcorp
Classification: Likely benign for POLD1-related polyposis and colorectal cancer syndrome. Last evaluated: 2025-10-27. Review status: criteria provided, single submitter. Criteria: Invitae Variant Classification Sherloc (09022015). Collection method: clinical testing. Allele origin: germline.

GeneDx
Classification: Uncertain significance. Last evaluated: 2025-06-26. Review status: criteria provided, single submitter. Criteria: GeneDx Variant Classification Process June 2021. Collection method: clinical testing. Allele origin: germline. Affected: yes.
Comment: In silico analysis supports that this missense variant has a deleterious effect on protein structure/function; Has not been previously published as pathogenic or benign to our knowledge; This variant is associated with the following publications: (PMID: 20951805)

KCCC/NGS Laboratory, Kuwait Cancer Control Center
Classification: Benign for POLD1-related polyposis and colorectal cancer syndrome. Last evaluated: 2025-02-01. Review status: criteria provided, single submitter. Criteria: ACMG Guidelines, 2015. Collection method: clinical testing. Allele origin: germline. Affected: no.

Ambry Genetics
Classification: Likely benign for Hereditary cancer-predisposing syndrome. Last evaluated: 2022-01-08. Review status: criteria provided, single submitter. Criteria: Ambry Variant Classification Scheme 2023. Collection method: clinical testing. Allele origin: germline.

PreventionGenetics, part of Exact Sciences
Classification: Likely benign for POLD1-related condition. Last evaluated: 2022-05-16. Review status: no assertion criteria provided. Collection method: clinical testing. Allele origin: germline. Not counted in ClinVar's aggregate classification.
Comment: This variant is classified as likely benign based on ACMG/AMP sequence variant interpretation guidelines (Richards et al. 2015 PMID: 25741868, with internal and published modifications).

NM_002691.4(POLD1):c.2333C>T (p.Ala778Val)

Gene: POLD1 (DNA polymerase delta 1, catalytic subunit; plus strand). Cytogenetic location: 19q13.33.
Variant type: single nucleotide variant.
Coding change: c.2333C>T on transcript NM_002691.4 (MANE Select); coding-DNA position 2333, C replaced by T.
Protein change: p.Ala778Val; replaces alanine 778 with valine.
Molecular consequence: missense variant. On other transcripts: non-coding transcript variant (1).
Genome position (GRCh38, 1-based): chr19:50,413,824, C>T. VCF-style: chr19-50413824-C-T. GRCh37 (hg19) VCF-style: chr19-50917081-C-T.
Other names: c.2333C>T, p.Ala778Val (NM_001256849.1); c.2411C>T, p.Ala804Val (NM_001308632.1); short protein forms A804V, A778V.
Identifiers: ClinVar variation 414758 (VCV000414758.18), dbSNP rs541483366, ClinGen allele CA9596486.
Genomic context (GRCh38, chr19:50,413,824, plus strand): 5'-CCGTCATGTGCCGATTCGGCGTGTCCTCGGTGGCTGAGGCGATGGCCCTGGGGCGGGAGG[C>T]CGCGGACTGGGTGTCAGGTCACTTCCCGTCGCCCATCCGGCTGGAGTTTGAGAAGGTGCG-3'
Protein context (NP_002682.2, residues 768-788): VAEAMALGRE[Ala778Val]ADWVSGHFPS